The following is an entry in ClinVar:

ClinVar aggregate classification (germline): Uncertain significance (1 of 4 stars; one submission).

Conditions:
Long QT syndrome (LQTS). Identifiers: MedGen C0023976, MeSH D008133, MONDO:0002442. Disease mechanism: loss of function. Inheritance: Various modes of inheritance.

gnomAD v4.1: 6 of 1,534,424 alleles (0.00039%); highest among the groups gnomAD compares: Middle Eastern, 0.022%; no homozygotes.

Submission:

Labcorp Genetics (formerly Invitae), Labcorp
Classification: Uncertain significance for Long QT syndrome. Last evaluated: 2024-10-27. Review status: criteria provided, single submitter. Criteria: Invitae Variant Classification Sherloc (09022015). Collection method: clinical testing. Allele origin: germline.
Comment: This sequence change replaces tryptophan, which is neutral and slightly polar, with serine, which is neutral and polar, at codon 927 of the KCNH2 protein (p.Trp927Ser). The frequency data for this variant in the population databases is considered unreliable, as metrics indicate poor data quality at this position in the gnomAD database. This variant has not been reported in the literature in individuals affected with KCNH2-related conditions. An algorithm developed to predict the effect of missense changes on protein structure and function (PolyPhen-2) suggests that this variant is likely to be disruptive. In summary, the available evidence is currently insufficient to determine the role of this variant in disease. Therefore, it has been classified as a Variant of Uncertain Significance.

NM_000238.4(KCNH2):c.2780G>C (p.Trp927Ser)

Gene: KCNH2 (potassium voltage-gated channel subfamily H member 2; minus strand). Cytogenetic location: 7q36.1.
Variant type: single nucleotide variant.
Coding change: c.2780G>C on transcript NM_000238.4 (MANE Select); coding-DNA position 2780, G replaced by C.
Protein change: p.Trp927Ser; replaces tryptophan 927 with serine.
Molecular consequence: missense variant.
Genome position (GRCh38, 1-based): chr7:150,947,791, C>G on the plus strand (G>C on the coding strand, the complement: KCNH2 is on the minus strand). VCF-style: chr7-150947791-C-G. GRCh37 (hg19) VCF-style: chr7-150644879-C-G.
Other names: c.2492G>C, p.Trp831Ser (NM_001406753.1); c.1760G>C, p.Trp587Ser (NM_172057.3); short protein forms W587S, W927S, W831S.
Identifiers: ClinVar variation 3711989 (VCV003711989.2).
Genomic context (GRCh38, chr7:150,947,791, plus strand): 5'-CCTGGGCCCTCATCCTCACTGCTCTCAGGGCTGGAGGGGCCACTGGACGGGCTCTCCCCC[C>G]ACGGCCCCCCCGGCCGGCCCCGGCTACTCGGCCCTGCCCCCGCCCGGCCCGGCCCCAAGG-3'
Protein context (NP_000229.1, residues 917-937): PSSRGRPGGP[Trp927Ser]GESPSSGPSS